The following is an entry in ClinVar:

ClinVar aggregate classification (germline): Uncertain significance. Review status: criteria provided, multiple submitters, no conflicts (2 of 4 stars). 2 submissions from 2 submitters: Uncertain significance (2). Last evaluated 2025-03-13.

Conditions:
Inborn genetic diseases. Identifiers: MedGen C0950123, MeSH D030342.

Allele frequency attached by ClinVar (database versions not stated): ExAC 0.00002; gnomAD 0.00003; gnomAD exomes 0.00003; TOPMed 0.00002.
gnomAD v4.1: 53 of 1,614,066 alleles (0.0033%); highest among the groups gnomAD compares: South Asian, 0.013%; 1 homozygote.

Submissions (2):

Labcorp Genetics (formerly Invitae), Labcorp
Classification: Uncertain significance. Last evaluated: 2025-03-13. Review status: criteria provided, single submitter. Criteria: Invitae Variant Classification Sherloc (09022015). Collection method: clinical testing. Allele origin: germline.
Comment: This sequence change replaces arginine, which is basic and polar, with glutamine, which is neutral and polar, at codon 167 of the DVL3 protein (p.Arg167Gln). This variant is present in population databases (rs761533548, gnomAD 0.01%). This variant has not been reported in the literature in individuals affected with DVL3-related conditions. ClinVar contains an entry for this variant (Variation ID: 2986157). Invitae Evidence Modeling of protein sequence and biophysical properties (such as structural, functional, and spatial information, amino acid conservation, physicochemical variation, residue mobility, and thermodynamic stability) indicates that this missense variant is not expected to disrupt DVL3 protein function with a negative predictive value of 80%. In summary, the available evidence is currently insufficient to determine the role of this variant in disease. Therefore, it has been classified as a Variant of Uncertain Significance.

Ambry Genetics
Classification: Uncertain significance for Inborn genetic diseases. Last evaluated: 2024-05-30. Review status: criteria provided, single submitter. Criteria: Ambry Variant Classification Scheme 2023. Collection method: clinical testing. Allele origin: germline.

NM_004423.4(DVL3):c.500G>A (p.Arg167Gln)

Gene: DVL3 (dishevelled segment polarity protein 3; plus strand). Cytogenetic location: 3q27.1.
Variant type: single nucleotide variant.
Coding change: c.500G>A on transcript NM_004423.4 (MANE Select); coding-DNA position 500, G replaced by A.
Protein change: p.Arg167Gln; replaces arginine 167 with glutamine.
Molecular consequence: missense variant.
Genome position (GRCh38, 1-based): chr3:184,164,832, G>A. VCF-style: chr3-184164832-G-A. GRCh37 (hg19) VCF-style: chr3-183882620-G-A.
Other names: c.500G>A (NM_004423.3); short protein forms R167Q.
Identifiers: ClinVar variation 2986157 (VCV002986157.4), dbSNP rs761533548, ClinGen allele CA2727121.
Genomic context (GRCh38, chr3:184,164,832, plus strand): 5'-CCCAACTGCTTCCATCCCCTGCAGCAACCCGGCTAAATGGAACTGCGAAGGGGGAACGGC[G>A]GCGAGAACCAGGGGGTTATGATAGCTCATCCACCCTTATGAGCAGTGAGCTGGAGACCAC-3'
Protein context (NP_004414.3, residues 157-177): RLNGTAKGER[Arg167Gln]REPGGYDSSS